The following is an entry in ClinVar:

NM_001034116.2(EIF2B4):c.1448G>A (p.Arg483Gln)

Genes: EIF2B4 (eukaryotic translation initiation factor 2B subunit delta; minus strand), GTF3C2-AS2 (GTF3C2 antisense RNA 2; plus strand). Cytogenetic location: 2p23.3.
Variant type: single nucleotide variant.
Coding change: c.1448G>A on transcript NM_001034116.2 (MANE Select); coding-DNA position 1448, G replaced by A.
Protein change: p.Arg483Gln; replaces arginine 483 with glutamine.
Molecular consequence: missense variant.
Genome position (GRCh38, 1-based): chr2:27,364,524, C>T on the plus strand (G>A on the coding strand, the complement: EIF2B4 is on the minus strand). VCF-style: chr2-27364524-C-T. GRCh37 (hg19) VCF-style: chr2-27587391-C-T.
Other names: c.1511G>A, p.Arg504Gln (NM_001318965.2); c.1403G>A, p.Arg468Gln (NM_001318966.2); c.1355G>A, p.Arg452Gln (NM_001318967.2); c.863G>A, p.Arg288Gln (NM_001318968.2); c.830G>A, p.Arg277Gln (NM_001318969.2); c.1445G>A, p.Arg482Gln (NM_015636.4); c.1508G>A, p.Arg503Gln (NM_172195.4); c.1445G>A (NM_015636.3); short protein forms R288Q, R452Q, R503Q, R468Q, R482Q, R483Q, R277Q, R504Q.
Identifiers: ClinVar variation 1523322 (VCV001523322.6), dbSNP rs776097463, ClinGen allele CA1576569.

ClinVar aggregate classification (germline): Uncertain significance. Review status: criteria provided, multiple submitters, no conflicts (2 of 4 stars). 2 submissions from 2 submitters: Uncertain significance (2). Last evaluated 2025-01-21.

Conditions:
Inborn genetic diseases. Identifiers: MedGen C0950123, MeSH D030342.

Allele frequency attached by ClinVar (database versions not stated): gnomAD exomes below 0.00001 and 0.00001; TOPMed below 0.00001; ExAC 0.00002.
gnomAD v4.1: 7 of 1,614,182 alleles (0.00043%); highest among the groups gnomAD compares: East Asian, 0.0022%; no homozygotes.

Submissions (2):

Ambry Genetics
Classification: Uncertain significance for Inborn genetic diseases. Last evaluated: 2025-01-21. Review status: criteria provided, single submitter. Criteria: Ambry Variant Classification Scheme 2023. Collection method: clinical testing. Allele origin: germline.

Labcorp Genetics (formerly Invitae), Labcorp
Classification: Uncertain significance. Last evaluated: 2024-11-22. Review status: criteria provided, single submitter. Criteria: Invitae Variant Classification Sherloc (09022015). Collection method: clinical testing. Allele origin: germline.
Comment: This sequence change replaces arginine, which is basic and polar, with glutamine, which is neutral and polar, at codon 482 of the EIF2B4 protein (p.Arg482Gln). This variant is present in population databases (rs776097463, gnomAD 0.006%). This variant has not been reported in the literature in individuals affected with EIF2B4-related conditions. ClinVar contains an entry for this variant (Variation ID: 1523322). An algorithm developed to predict the effect of missense changes on protein structure and function (PolyPhen-2) suggests that this variant¬†is likely to be tolerated. In summary, the available evidence is currently insufficient to determine the role of this variant in disease. Therefore, it has been classified as a Variant of Uncertain Significance.